The following is an entry in ClinVar:

ClinVar aggregate classification (germline): Benign (0 of 4 stars; one submission).

Conditions:
KCNQ1-related disorder. Also called: KCNQ1-related condition; KCNQ1-related disorders. Identifiers: MedGen CN239322.

Allele frequency attached by ClinVar (database versions not stated): gnomAD exomes 0.00512; gnomAD 0.03963; 1000 Genomes Project 0.04493; TOPMed 0.04528; 1000 Genomes Project 30x 0.04638.
gnomAD v4.1: 7,426 of 398,560 alleles (1.9%); highest among the groups gnomAD compares: African/African-American, 14%; 488 homozygotes.

Submission:

PreventionGenetics, part of Exact Sciences
Classification: Benign for KCNQ1-related condition. Last evaluated: 2019-07-29. Review status: no assertion criteria provided. Collection method: clinical testing. Allele origin: germline.
Comment: This variant is classified as benign based on ACMG/AMP sequence variant interpretation guidelines (Richards et al. 2015 PMID: 25741868, with internal and published modifications).

NM_000218.3(KCNQ1):c.1514+4774T>C

Genes: KCNQ1 (potassium voltage-gated channel subfamily Q member 1; plus strand), KCNQ1OT1 (KCNQ1 opposite strand/antisense transcript 1; minus strand). Cytogenetic location: 11p15.5.
Variant type: single nucleotide variant.
Coding change: c.1514+4774T>C on transcript NM_000218.3 (MANE Select); 4774 bases into the intron after coding-DNA position 1514, T replaced by C.
Molecular consequence: intron variant. On other transcripts: non-coding transcript variant (1).
Genome position (GRCh38, 1-based): chr11:2,666,855, T>C. VCF-style: chr11-2666855-T-C. GRCh37 (hg19) VCF-style: chr11-2688085-T-C.
Other names: c.1244+4774T>C (NM_001406837.1); c.1418+4774T>C (NM_001406836.1); c.974+4774T>C (NM_001406838.1); c.1133+4774T>C (NM_181798.2).
Identifiers: ClinVar variation 3056399 (VCV003056399.2), dbSNP rs16928525, ClinGen allele CA216175182.